The following is an entry in ClinVar:

NM_002890.3(RASA1):c.2388del (p.Thr796_Leu797insTer)

Genes: CCNH (cyclin H; minus strand), RASA1 (RAS p21 protein activator 1; plus strand). Cytogenetic location: 5q14.3.
Variant type: Deletion.
Coding change: c.2388del on transcript NM_002890.3 (MANE Select); coding-DNA position 2388, one base deleted (C; older notation c.2388delC).
Protein change: p.Thr796_Leu797insTer.
Molecular consequence: frameshift variant. On other transcripts: intron variant (1).
Genome position (GRCh38, 1-based): chr5:87,378,439, C deleted; the last of 2 consecutive C bases (chr5:87,378,438-87,378,439); deleting either gives the same sequence. VCF-style (leftmost placement, unchanged base first): chr5-87378437-AC-A. GRCh37 (hg19) VCF-style: chr5-86674254-AC-A.
Other names: c.1857del, p.Thr619_Leu620insTer (NM_022650.3); c.933+16606del (NM_001364075.2).
Identifiers: ClinVar variation 2836578 (VCV002836578.3), dbSNP rs2531355164, ClinGen allele CA2739274959.

ClinVar aggregate classification (germline): Pathogenic (1 of 4 stars; one submission).

Conditions:
Capillary malformation-arteriovenous malformation syndrome. Also called: Capillary malformation-arteriovenous malformation. Identifiers: Orphanet 137667, MedGen C1842180, MONDO:0012016.

Submission:

Labcorp Genetics (formerly Invitae), Labcorp
Classification: Pathogenic for Capillary malformation-arteriovenous malformation syndrome. Last evaluated: 2023-02-13. Review status: criteria provided, single submitter. Criteria: Invitae Variant Classification Sherloc (09022015). Collection method: clinical testing. Allele origin: germline.
Comment: This sequence change creates a premature translational stop signal (p.Leu797*) in the RASA1 gene. It is expected to result in an absent or disrupted protein product. Loss-of-function variants in RASA1 are known to be pathogenic (PMID: 24038909). This variant is not present in population databases (gnomAD no frequency). This variant has not been reported in the literature in individuals affected with RASA1-related conditions. For these reasons, this variant has been classified as Pathogenic.

Literature cited by the submitters: PubMed 24038909.